The following is an entry in ClinVar:

NM_000170.3(GLDC):c.316A>G (p.Lys106Glu)

Gene: GLDC (glycine decarboxylase; minus strand). Cytogenetic location: 9p24.1.
Variant type: single nucleotide variant.
Coding change: c.316A>G on transcript NM_000170.3 (MANE Select); coding-DNA position 316, A replaced by G.
Protein change: p.Lys106Glu; replaces lysine 106 with glutamic acid.
Molecular consequence: missense variant.
Genome position (GRCh38, 1-based): chr9:6,644,632, T>C on the plus strand (A>G on the coding strand, the complement: GLDC is on the minus strand). VCF-style: chr9-6644632-T-C. GRCh37 (hg19) VCF-style: chr9-6644632-T-C.
Other names: short protein forms K106E.
Identifiers: ClinVar variation 2195730 (VCV002195730.1), dbSNP rs1216097144, ClinGen allele CA372885612.

ClinVar aggregate classification (germline): Uncertain significance (1 of 4 stars; one submission).

Conditions:
Glycine encephalopathy. Also called: Nonketotic hyperglycinemia; Non-ketotic hyperglycinemia. Identifiers: Orphanet 407, MedGen C0751748, MONDO:0011612, HP:0008288.

Allele frequency attached by ClinVar (database versions not stated): gnomAD exomes 0.00001; gnomAD 0.00002; TOPMed 0.00002.
gnomAD v4.1: 10 of 1,612,398 alleles (0.00062%); highest among the groups gnomAD compares: Admixed American, 0.015%; no homozygotes.

Submission:

Labcorp Genetics (formerly Invitae), Labcorp
Classification: Uncertain significance for Glycine encephalopathy. Last evaluated: 2022-10-06. Review status: criteria provided, single submitter. Criteria: Invitae Variant Classification Sherloc (09022015). Collection method: clinical testing. Allele origin: germline.
Comment: This sequence change replaces lysine, which is basic and polar, with glutamic acid, which is acidic and polar, at codon 106 of the GLDC protein (p.Lys106Glu). This variant is present in population databases (no rsID available, gnomAD 0.02%). This variant has not been reported in the literature in individuals affected with GLDC-related conditions. Advanced modeling of protein sequence and biophysical properties (such as structural, functional, and spatial information, amino acid conservation, physicochemical variation, residue mobility, and thermodynamic stability) performed at Invitae indicates that this missense variant is not expected to disrupt GLDC protein function. In summary, the available evidence is currently insufficient to determine the role of this variant in disease. Therefore, it has been classified as a Variant of Uncertain Significance.